The following is an entry in ClinVar:

ClinVar aggregate classification (germline): Likely benign. Review status: criteria provided, multiple submitters, no conflicts (2 of 4 stars). 4 submissions from 4 submitters: Likely benign (2). 2 of the submissions do not count toward it. Last evaluated 2025-10-01.

Conditions:
BRCA1-related disorder. Also called: BRCA1-related condition.

Submissions (4):

PreventionGenetics, part of Exact Sciences
Classification: Likely benign for BRCA1-related condition. Last evaluated: 2025-10-01. Review status: criteria provided, single submitter. Criteria: ACMG Guidelines, 2015. Collection method: clinical testing. Allele origin: germline.
Comment: This variant is classified as likely benign based on ACMG/AMP sequence variant interpretation guidelines (Richards et al. 2015 PMID: 25741868, with internal and published modifications).

GeneDx
Classification: Likely benign. Last evaluated: 2021-04-28. Review status: criteria provided, single submitter. Criteria: GeneDx Variant Classification Process June 2021. Collection method: clinical testing. Allele origin: germline. Affected: yes.
Comment: This variant is associated with the following publications: (PMID: 28263838, 28944232)

Clinical Genetics Laboratory, Department of Pathology, Netherlands Cancer Institute
Classification: Likely benign. Review status: no assertion criteria provided. Collection method: clinical testing. Allele origin: germline. Affected: yes. Study: VKGL Data-share Consensus. Not counted in ClinVar's aggregate classification.

Genome Diagnostics Laboratory, University Medical Center Utrecht
Classification: Likely benign. Review status: no assertion criteria provided. Collection method: clinical testing. Allele origin: germline. Affected: yes. Study: VKGL Data-share Consensus. Not counted in ClinVar's aggregate classification.

NM_007294.4(BRCA1):c.441+51del

Gene: BRCA1 (BRCA1 DNA repair associated; minus strand). Cytogenetic location: 17q21.31.
Variant type: Deletion.
Coding change: c.441+51del on transcript NM_007294.4 (MANE Select); 51 bases into the intron after coding-DNA position 441, one base deleted (T; older notation c.441+51delT).
Molecular consequence: intron variant.
Genome position (GRCh38, 1-based): chr17:43,104,071, A deleted on the plus strand (T on the coding strand, the reverse complement: BRCA1 is on the minus strand); the first of 10 consecutive A bases (chr17:43,104,071-43,104,080); deleting any one gives the same sequence. VCF-style (leftmost placement, unchanged base first): chr17-43104070-GA-G. GRCh37 (hg19) VCF-style: chr17-41256087-GA-G.
Other names: c.300+51del (NM_001408458.1, NM_001407931.1, NM_001407747.1 and 99 more transcripts); c.-218-9211del (NM_001407967.1, NM_001407966.1); c.60+51del (NM_001407959.1, NM_001407962.1, NM_001408512.1 and 4 more transcripts); c.231+51del (NM_001407885.1, NM_001407886.1, NM_001407898.1 and 58 more transcripts); c.441+51del (NM_001407686.1, NM_001408397.1, NM_001407632.1 and 164 more transcripts); c.309+51del (NM_001408451.1); c.363+51del (NM_001408475.1, NM_001407875.1, NM_001407659.1 and 21 more transcripts); c.432+51del (NM_001408408.1, NM_001407647.1, NM_001407646.1); and 1 more.
Identifiers: ClinVar variation 1299767 (VCV001299767.5), dbSNP rs921962743, ClinGen allele CA290816674.
Genomic context (GRCh38, chr17:43,104,070, plus strand): 5'-GGCAGGAGGACTGCTTCTAGCCTGGGCCACAGAGCAAGACTCCATCTCAAAAAAAAAAAA[GA>G]AAAAAAAAAGAAAAGAAGAAGAAGAAGAAGAAGAAAACAAATGGTTTTACCAAGGAAGGA-3'